The following is an entry in ClinVar:

ClinVar aggregate classification (germline): Pathogenic. Review status: reviewed by expert panel (3 of 4 stars). 3 submissions from 3 submitters: Pathogenic (1). 2 of the submissions do not count toward it. Last evaluated 2025-05-19.

Conditions:
Juvenile retinoschisis (RS1). Also called: X-Linked Juvenile Retinoschisis; X-linked retinoschisis. Identifiers: Orphanet 792, MedGen C3714753, MONDO:0010725, OMIM 312700.

Submissions (3):

ClinGen X-linked Inherited Retinal Disease Variant Curation Expert Panel, ClinGen
Classification: Pathogenic for Juvenile retinoschisis. Last evaluated: 2025-05-19. Review status: reviewed by expert panel. Criteria: ClinGen X LinkedIRD ACMG Specifications RS1 V1.0.0. Collection method: curation. Allele origin: germline. Inheritance: X-linked inheritance.
Comment: The NM_000330.4(RS1):c.1A>T variant is a start loss variant encoding the substitution of Methionine with Leucine at amino acid 1. The variant may cause a truncated or absent protein by altering the start codon of the coding sequence and is predicted to lead to the omission of a critical region of the protein. Use of the next in-frame start codon would omit 147 amino acids (66% of the sequence (PVS1; PMIDs, ClinVar SCVs implicating pathogenic variants between this and 1st possible start codon). Moreover, this variant is absent from hemizygous individuals in gnomAD v4.1.0 (PM2_Supporting). COS-7 cells exogenously expressing the variant exhibit loss of RS1 secretion into the medium relative to the wild-type control (PMID: 20809529). The variant has been reported to segregate with retinal dystrophy through at least 3 meioses in the same family 4 brothers, one sister, and her daughter w/o their mother's genotype. (PP1_strong; PMID: 17031297). At least one proband harboring this variant exhibits a phenotype including appearance of schisis and reduced visual acuity before age 13 years, which together are specific for X-linked retinoschisis (PMID: 17031297, PP4). This variant has been reported in multiple other publications (PMIDs: 30551202, 28559085, 30025115, 22039241, 20809529, 37396901), however, it was not clear that the probands were different individuals, so PS4_Supporting was not met. In summary, this variant is classified as pathogenic for X-linked retinoschisis based on the ClinGen X-linked Inherited Retinal Disease Expert Panel Specifications to the ACMG/AMP Variant Interpretation Guidelines for RS1 Version 1.0.0: PVS1, PM2_supporting, PP1_strong, and PP4 (date of approval 01/24/2025).

Labcorp Genetics (formerly Invitae), Labcorp
Classification: Pathogenic. Last evaluated: 2024-06-21. Review status: criteria provided, single submitter. Criteria: Invitae Variant Classification Sherloc (09022015). Collection method: clinical testing. Allele origin: germline. Not counted in ClinVar's aggregate classification.
Comment: This sequence change affects the initiator methionine of the RS1 mRNA. The next in-frame methionine is located at codon 148. This variant is not present in population databases (gnomAD no frequency). Disruption of the initiator codon has been observed in individuals with retinoschisis (PMID: 17031297, 26823236, 28559085). It has also been observed to segregate with disease in related individuals. ClinVar contains an entry for this variant (Variation ID: 488837). Studies have shown that disruption of the initiator codon alters RS1 gene expression (PMID: 20809529). For these reasons, this variant has been classified as Pathogenic.

GeneDx
Classification: Pathogenic. Last evaluated: 2018-09-14. Review status: criteria provided, single submitter. Criteria: GeneDx Variant Classification (06012015). Collection method: clinical testing. Allele origin: germline. Affected: yes. Not counted in ClinVar's aggregate classification.
Comment: The c.1 A>T pathogenic variant in the RS1 gene has been reported previously in association with x-linked retinoschisis (XLRS) (Kim et al., 2006). It was not not observed in approximately 6,500 individuals of European and African American ancestry in the NHLBI Exome Sequencing Project, indicating it is not a common benign variant in these populations. The c.1 A>T pathogenic variant alters the initiator Methionine codon, and the resultant protein would be described as p.Met1?" using a question mark to signify that it is not known if the loss of Met1 means that all protein translation is completely prevented or if an abnormal protein is produced using an alternate Met. In addition, functional studies of the c.1 A>T variant showed that it abolished cellular expression and secretion without effecting transcriptional levels (Vijayasarathy et al., 2010)."

Literature cited by the submitters: PubMed 17031297 (cited by Labcorp Genetics (formerly Invitae), Labcorp); PubMed 26823236 (cited by Labcorp Genetics (formerly Invitae), Labcorp); PubMed 28559085 (cited by Labcorp Genetics (formerly Invitae), Labcorp); PubMed 20809529 (cited by Labcorp Genetics (formerly Invitae), Labcorp).

NM_000330.4(RS1):c.1A>T (p.Met1Leu)

Gene: RS1 (retinoschisin 1; minus strand). Cytogenetic location: Xp22.13.
Variant type: single nucleotide variant.
Coding change: c.1A>T on transcript NM_000330.4 (MANE Select); coding-DNA position 1, A replaced by T.
Protein change: p.Met1Leu; changes the start codon (methionine 1).
Molecular consequence: missense variant, initiator codon variant.
Genome position (GRCh38, 1-based): chrX:18,672,068, T>A on the plus strand (A>T on the coding strand, the complement: RS1 is on the minus strand). VCF-style: chrX-18672068-T-A. GRCh37 (hg19) VCF-style: chrX-18690188-T-A.
Other names: NM_000330.4(RS1):c.1A>T; p.Met1Leu; short protein forms M1L.
Identifiers: ClinVar variation 488837 (VCV000488837.9), dbSNP rs281865332, ClinGen allele CA412379329.